The following is an entry in ClinVar:

ClinVar aggregate classification (germline): Likely benign (1 of 4 stars; one submission).

Allele frequency attached by ClinVar (database versions not stated): 1000 Genomes Project 0.00779; 1000 Genomes Project 30x 0.00812; gnomAD 0.00849 and 0.00927; TOPMed 0.01034.
gnomAD v4.1: 1,280 of 152,076 alleles (0.84%); highest among the groups gnomAD compares: African/African-American, 2.8%; 27 homozygotes.

Submission:

GeneDx
Classification: Likely benign. Last evaluated: 2018-06-14. Review status: criteria provided, single submitter. Criteria: GeneDx Variant Classification (06012015). Collection method: clinical testing. Allele origin: germline. Affected: yes.
Comment: This variant is considered likely benign or benign based on one or more of the following criteria: it is a conservative change, it occurs at a poorly conserved position in the protein, it is predicted to be benign by multiple in silico algorithms, and/or has population frequency not consistent with disease.

NM_024422.6(DSC2):c.2125+190G>A

Gene: DSC2 (desmocollin 2; minus strand). Cytogenetic location: 18q12.1.
Variant type: single nucleotide variant.
Coding change: c.2125+190G>A on transcript NM_024422.6 (MANE Select); 190 bases into the intron after coding-DNA position 2125, G replaced by A.
Molecular consequence: intron variant.
Genome position (GRCh38, 1-based): chr18:31,071,415, C>T on the plus strand (G>A on the coding strand, the complement: DSC2 is on the minus strand). VCF-style: chr18-31071415-C-T. GRCh37 (hg19) VCF-style: chr18-28651381-C-T.
Other names: c.2125+190G>A (NM_004949.5).
Identifiers: ClinVar variation 675742 (VCV000675742.1), dbSNP rs189743373, ClinGen allele CA297688361.